The following is an entry in ClinVar:

ClinVar aggregate classification (germline): Likely benign. Review status: criteria provided, single submitter (1 of 4 stars). 2 submissions from 2 submitters: Likely benign (1). 1 of the submissions does not count toward it. Last evaluated 2025-04-17.

Conditions:
LRIT3-related disorder. Also called: LRIT3-related condition.

Allele frequency attached by ClinVar (database versions not stated): gnomAD exomes 0.00002; TOPMed 0.00002.
gnomAD v4.1: 20 of 1,548,004 alleles (0.0013%); highest among the groups gnomAD compares: South Asian, 0.0072%; no homozygotes.

Submissions (2):

Labcorp Genetics (formerly Invitae), Labcorp
Classification: Likely benign. Last evaluated: 2025-04-17. Review status: criteria provided, single submitter. Criteria: Invitae Variant Classification Sherloc (09022015). Collection method: clinical testing. Allele origin: germline.

PreventionGenetics, part of Exact Sciences
Classification: Likely benign for LRIT3-related condition. Last evaluated: 2019-03-27. Review status: no assertion criteria provided. Collection method: clinical testing. Allele origin: germline. Not counted in ClinVar's aggregate classification.
Comment: This variant is classified as likely benign based on ACMG/AMP sequence variant interpretation guidelines (Richards et al. 2015 PMID: 25741868, with internal and published modifications).

NM_198506.5(LRIT3):c.147C>T (p.Asn49=)

Gene: LRIT3 (leucine rich repeat, Ig-like and transmembrane domains 3; plus strand). Cytogenetic location: 4q25.
Variant type: single nucleotide variant.
Coding change: c.147C>T on transcript NM_198506.5 (MANE Select); coding-DNA position 147, C replaced by T.
Protein change: p.Asn49=; no amino-acid change (asparagine 49 retained).
Molecular consequence: synonymous variant.
Genome position (GRCh38, 1-based): chr4:109,851,534, C>T. VCF-style: chr4-109851534-C-T. GRCh37 (hg19) VCF-style: chr4-110772690-C-T.
Other names: c.147C>T (NM_198506.4).
Identifiers: ClinVar variation 1162118 (VCV001162118.9), dbSNP rs1327054226, ClinGen allele CA440818799.